The following is an entry in ClinVar:

ClinVar aggregate classification (germline): Uncertain significance. Review status: criteria provided, multiple submitters, no conflicts (2 of 4 stars). 2 submissions from 2 submitters: Uncertain significance (2). Last evaluated 2025-06-25.

Conditions:
Hereditary cancer-predisposing syndrome. Also called: Hereditary neoplastic syndrome; Neoplastic Syndromes, Hereditary; Hereditary Cancer Syndrome; Tumor predisposition. Identifiers: Orphanet 140162, MedGen C0027672, MeSH D009386, MONDO:0015356.

Submissions (2):

Ambry Genetics
Classification: Uncertain significance for Hereditary cancer-predisposing syndrome. Last evaluated: 2025-06-25. Review status: criteria provided, single submitter. Criteria: Ambry Variant Classification Scheme 2023. Collection method: clinical testing. Allele origin: germline.

Labcorp Genetics (formerly Invitae), Labcorp
Classification: Uncertain significance. Last evaluated: 2023-10-22. Review status: criteria provided, single submitter. Criteria: Invitae Variant Classification Sherloc (09022015). Collection method: clinical testing. Allele origin: germline.
Comment: This sequence change replaces valine, which is neutral and non-polar, with isoleucine, which is neutral and non-polar, at codon 181 of the MSH3 protein (p.Val181Ile). This variant is not present in population databases (gnomAD no frequency). This variant has not been reported in the literature in individuals affected with MSH3-related conditions. Algorithms developed to predict the effect of missense changes on protein structure and function output the following: SIFT: "Not Available"; PolyPhen-2: "Benign"; Align-GVGD: "Not Available". The isoleucine amino acid residue is found in multiple mammalian species, which suggests that this missense change does not adversely affect protein function. In summary, the available evidence is currently insufficient to determine the role of this variant in disease. Therefore, it has been classified as a Variant of Uncertain Significance.

NM_002439.5(MSH3):c.541G>A (p.Val181Ile)

Gene: MSH3 (mutS homolog 3; plus strand). Cytogenetic location: 5q14.1.
Variant type: single nucleotide variant.
Coding change: c.541G>A on transcript NM_002439.5 (MANE Select); coding-DNA position 541, G replaced by A.
Protein change: p.Val181Ile; replaces valine 181 with isoleucine.
Molecular consequence: missense variant.
Genome position (GRCh38, 1-based): chr5:80,665,325, G>A. VCF-style: chr5-80665325-G-A. GRCh37 (hg19) VCF-style: chr5-79961144-G-A.
Other names: c.541G>A (NM_002439.3); short protein forms V181I.
Identifiers: ClinVar variation 2765246 (VCV002765246.4), dbSNP rs1749546200, ClinGen allele CA360264405.